The following is an entry in ClinVar:

NM_000138.5(FBN1):c.697C>A (p.Arg233Ser)

Gene: FBN1 (fibrillin 1; minus strand). Cytogenetic location: 15q21.1.
Variant type: single nucleotide variant.
Coding change: c.697C>A on transcript NM_000138.5 (MANE Select); coding-DNA position 697, C replaced by A.
Protein change: p.Arg233Ser; replaces arginine 233 with serine.
Molecular consequence: missense variant.
Genome position (GRCh38, 1-based): chr15:48,537,650, G>T on the plus strand (C>A on the coding strand, the complement: FBN1 is on the minus strand). VCF-style: chr15-48537650-G-T. GRCh37 (hg19) VCF-style: chr15-48829847-G-T.
Other names: short protein forms R233S.
Identifiers: ClinVar variation 1313204 (VCV001313204.6), dbSNP rs397515841, ClinGen allele CA392445860.
Genomic context (GRCh38, chr15:48,537,650, plus strand): 5'-ATTCCATCAGCCCGGGTTTACCTTGACAAGCTCCCGTGCGGATATTTGGAATGAAGCCAC[G>T]GCGGCAGGGGTGAGGCTGGGCAGGACACATCTCACAGGGGTGGCCCCAGGCTCGGCCGAC-3'
Protein context (NP_000129.3, residues 223-243): MCPAQPHPCR[Arg233Ser]GFIPNIRTGA

ClinVar aggregate classification (germline): Uncertain significance. Review status: criteria provided, multiple submitters, no conflicts (2 of 4 stars). 2 submissions from 2 submitters: Uncertain significance (2). Last evaluated 2022-10-20.

Conditions:
Marfan syndrome (MFS). Also called: Marfan syndrome type 1; Marfan's syndrome; FBN1-Related Marfan Syndrome; MARFAN SYNDROME, TYPE I; Marfan syndrome, classic. Identifiers: Orphanet 284963, Orphanet 558, MedGen C0024796, MONDO:0007947, OMIM 154700.
Familial thoracic aortic aneurysm and aortic dissection (TAAD). Also called: Thoracic aortic aneurysms and dissections. Identifiers: Orphanet 91387, MedGen C4707243, MONDO:0019625.

gnomAD v4.1: 3 of 1,614,214 alleles (0.00019%); highest among the groups gnomAD compares: Non-Finnish European, 0.00025%; no homozygotes.

Submissions (2):

Labcorp Genetics (formerly Invitae), Labcorp
Classification: Uncertain significance for Marfan syndrome; Familial thoracic aortic aneurysm and aortic dissection. Last evaluated: 2022-10-20. Review status: criteria provided, single submitter. Criteria: Invitae Variant Classification Sherloc (09022015). Collection method: clinical testing. Allele origin: germline.
Comment: In summary, the available evidence is currently insufficient to determine the role of this variant in disease. Therefore, it has been classified as a Variant of Uncertain Significance. Advanced modeling of protein sequence and biophysical properties (such as structural, functional, and spatial information, amino acid conservation, physicochemical variation, residue mobility, and thermodynamic stability) performed at Invitae indicates that this missense variant is expected to disrupt FBN1 protein function. ClinVar contains an entry for this variant (Variation ID: 1313204). This variant has not been reported in the literature in individuals affected with FBN1-related conditions. This variant is not present in population databases (gnomAD no frequency). This sequence change replaces arginine, which is basic and polar, with serine, which is neutral and polar, at codon 233 of the FBN1 protein (p.Arg233Ser).

GeneDx
Classification: Uncertain significance. Last evaluated: 2020-09-23. Review status: criteria provided, single submitter. Criteria: GeneDx Variant Classification Process June 2021. Collection method: clinical testing. Allele origin: germline. Affected: yes.
Comment: Has not been previously published as pathogenic or benign to our knowledge; Not observed in large population cohorts (Lek et al., 2016); In silico analysis supports that this missense variant has a deleterious effect on protein structure/function; Does not affect a cysteine residue within a calcium-binding EGF-like domain of the FBN1 gene; cysteine substitutions in the calcium-binding EGF-like domains represent the majority of pathogenic missense changes associated with FBN1-related disorders (Collod-Beroud et al., 2003).